The following is an entry in ClinVar:

NM_000180.4(GUCY2D):c.2729C>A (p.Thr910Lys)

Gene: GUCY2D (guanylate cyclase 2D, retinal; plus strand). Cytogenetic location: 17p13.1.
Variant type: single nucleotide variant.
Coding change: c.2729C>A on transcript NM_000180.4 (MANE Select); coding-DNA position 2729, C replaced by A.
Protein change: p.Thr910Lys; replaces threonine 910 with lysine.
Molecular consequence: missense variant.
Genome position (GRCh38, 1-based): chr17:8,015,011, C>A. VCF-style: chr17-8015011-C-A. GRCh37 (hg19) VCF-style: chr17-7918329-C-A.
Other names: short protein forms T910K.
Identifiers: ClinVar variation 4782946 (VCV004782946.1).

ClinVar aggregate classification (germline): Uncertain significance (1 of 4 stars; one submission).

Conditions:
Leber congenital amaurosis 1 (LCA1). Also called: AMAUROSIS CONGENITA OF LEBER I; RETINAL BLINDNESS, CONGENITAL; Congenital absence of the rods and cones; Leber's congenital tapetoretinal degeneration; Leber's congenital tapetoretinal dysplasia. Identifiers: Orphanet 65, MedGen C2931258, MONDO:0008764, OMIM 204000.
Cone-rod dystrophy 6 (CORD6). Also called: RETINAL CONE DYSTROPHY 2; Cone dystrophy progressive. Identifiers: Orphanet 1872, MedGen C1866293, MONDO:0011143, OMIM 601777.

gnomAD v4.1: 1 of 1,614,056 alleles (0.000062%); highest among the groups gnomAD compares: Non-Finnish European, 0.000085%; no homozygotes.

Submission:

Labcorp Genetics (formerly Invitae), Labcorp
Classification: Uncertain significance for Leber congenital amaurosis 1; Cone-rod dystrophy 6. Last evaluated: 2025-08-22. Review status: criteria provided, single submitter. Criteria: Invitae Variant Classification Sherloc (09022015). Collection method: clinical testing. Allele origin: germline.
Comment: This sequence change replaces threonine, which is neutral and polar, with lysine, which is basic and polar, at codon 910 of the GUCY2D protein (p.Thr910Lys). This variant is not present in population databases (gnomAD no frequency). This variant has not been reported in the literature in individuals affected with GUCY2D-related conditions. Invitae Evidence Modeling of protein sequence and biophysical properties (such as structural, functional, and spatial information, amino acid conservation, physicochemical variation, residue mobility, and thermodynamic stability) has been performed for this missense variant. However, the output from this modeling did not meet the statistical confidence thresholds required to predict the impact of this variant on GUCY2D protein function. In summary, the available evidence is currently insufficient to determine the role of this variant in disease. Therefore, it has been classified as a Variant of Uncertain Significance.